The following is an entry in ClinVar:

ClinVar aggregate classification (germline): Uncertain significance. Review status: criteria provided, multiple submitters, no conflicts (2 of 4 stars). 2 submissions from 2 submitters: Uncertain significance (2). Last evaluated 2024-12-22.

Conditions:
Melanoma, cutaneous malignant, susceptibility to, 5. Also called: Cutaneous malignant melanoma 5. Identifiers: Orphanet 618, MedGen C2751295, MONDO:0013133, OMIM 613099.

Allele frequency attached by ClinVar (database versions not stated): gnomAD exomes below 0.00001.

Submissions (2):

Ambry Genetics
Classification: Uncertain significance. Last evaluated: 2024-12-22. Review status: criteria provided, single submitter. Criteria: Ambry Variant Classification Scheme 2023. Collection method: clinical testing. Allele origin: germline.
Comment: The p.A33V variant (also known as c.98C>T), located in coding exon 1 of the MC1R gene, results from a C to T substitution at nucleotide position 98. The alanine at codon 33 is replaced by valine, an amino acid with similar properties. This amino acid position is conserved. In addition, this alteration is predicted to be tolerated by in silico analysis. Based on the available evidence, the clinical significance of this variant remains unclear.

Labcorp Genetics (formerly Invitae), Labcorp
Classification: Uncertain significance for Melanoma, cutaneous malignant, susceptibility to, 5. Last evaluated: 2024-08-19. Review status: criteria provided, single submitter. Criteria: Invitae Variant Classification Sherloc (09022015). Collection method: clinical testing. Allele origin: germline.
Comment: This sequence change replaces alanine, which is neutral and non-polar, with valine, which is neutral and non-polar, at codon 33 of the MC1R protein (p.Ala33Val). This variant is present in population databases (no rsID available, gnomAD 0.0009%). This variant has not been reported in the literature in individuals affected with MC1R-related conditions. ClinVar contains an entry for this variant (Variation ID: 851325). Invitae Evidence Modeling of protein sequence and biophysical properties (such as structural, functional, and spatial information, amino acid conservation, physicochemical variation, residue mobility, and thermodynamic stability) indicates that this missense variant is not expected to disrupt MC1R protein function with a negative predictive value of 95%. In summary, the available evidence is currently insufficient to determine the role of this variant in disease. Therefore, it has been classified as a Variant of Uncertain Significance.

NM_002386.4(MC1R):c.98C>T (p.Ala33Val)

Gene: MC1R (melanocortin 1 receptor; plus strand). Cytogenetic location: 16q24.3.
Variant type: single nucleotide variant.
Coding change: c.98C>T on transcript NM_002386.4 (MANE Select); coding-DNA position 98, C replaced by T.
Protein change: p.Ala33Val; replaces alanine 33 with valine.
Molecular consequence: missense variant.
Genome position (GRCh38, 1-based): chr16:89,919,356, C>T. VCF-style: chr16-89919356-C-T. GRCh37 (hg19) VCF-style: chr16-89985764-C-T.
Other names: short protein forms A33V.
Identifiers: ClinVar variation 851325 (VCV000851325.7), dbSNP rs1215465340, ClinGen allele CA397459298.
Genomic context (GRCh38, chr16:89,919,356, plus strand): 5'-CCCTCAACTCCACCCCCACAGCCATCCCCCAGCTGGGGCTGGCTGCCAACCAGACAGGAG[C>T]CCGGTGCCTGGAGGTGTCCATCTCTGACGGGCTCTTCCTCAGCCTGGGGCTGGTGAGCTT-3'
Protein context (NP_002377.4, residues 23-43): QLGLAANQTG[Ala33Val]RCLEVSISDG